The following is an entry in ClinVar:

NM_177438.3(DICER1):c.5241G>A (p.Ser1747=)

Gene: DICER1 (dicer 1, ribonuclease III; minus strand). Cytogenetic location: 14q32.13.
Variant type: single nucleotide variant.
Coding change: c.5241G>A on transcript NM_177438.3 (MANE Select); coding-DNA position 5241, G replaced by A.
Protein change: p.Ser1747=; no amino-acid change (serine 1747 retained).
Molecular consequence: synonymous variant.
Genome position (GRCh38, 1-based): chr14:95,094,011, C>T on the plus strand (G>A on the coding strand, the complement: DICER1 is on the minus strand). VCF-style: chr14-95094011-C-T. GRCh37 (hg19) VCF-style: chr14-95560348-C-T.
Other names: c.5241G>A, p.Ser1747= (NM_001195573.1, NM_001271282.3, NM_001291628.2 and 1 more transcripts).
Identifiers: ClinVar variation 242133 (VCV000242133.39), dbSNP rs114861074, ClinGen allele CA7330700.

ClinVar aggregate classification (germline): Benign/Likely benign. Review status: criteria provided, multiple submitters, no conflicts (2 of 4 stars). 12 submissions from 12 submitters: Benign (10); Likely benign (2). Last evaluated 2026-04-20.

Conditions:
Hereditary cancer-predisposing syndrome. Also called: Hereditary neoplastic syndrome; Neoplastic Syndromes, Hereditary; Hereditary Cancer Syndrome; Tumor predisposition. Identifiers: Orphanet 140162, MedGen C0027672, MeSH D009386, MONDO:0015356.
DICER1-related tumor predisposition. Also called: DICER1-related pleuropulmonary blastoma cancer predisposition syndrome; DICER1 syndrome. Identifiers: Orphanet 284343, MedGen C3839822, MONDO:0100216.
Pleuropulmonary blastoma (PPB). Identifiers: Orphanet 64742, MedGen C1266144, MONDO:0011014, OMIM 601200, HP:0100528.

Allele frequency attached by ClinVar (database versions not stated): TOPMed 0.00589; 1000 Genomes Project 30x 0.00703; gnomAD exomes 0.00060 and 0.00139; ExAC 0.00166; ESP Exome Variant Server 0.00600; 1000 Genomes Project 0.00659; gnomAD 0.00539.
gnomAD v4.1: 1,790 of 1,614,096 alleles (0.11%); highest among the groups gnomAD compares: African/African-American, 1.9%; 11 homozygotes.

Submissions (12):

Myriad Genetics, Inc.
Classification: Benign for DICER1-related tumor predisposition. Last evaluated: 2026-04-20. Review status: criteria provided, single submitter. Criteria: Myriad Autosomal Dominant, Autosomal Recessive and X-Linked Classification Criteria (2023). Collection method: clinical testing. Allele origin: unknown.
Comment: This variant is considered benign. This variant is a silent/synonymous amino acid change and it is not expected to impact splicing.

Labcorp Genetics (formerly Invitae), Labcorp
Classification: Benign for DICER1-related tumor predisposition. Last evaluated: 2026-02-03. Review status: criteria provided, single submitter. Criteria: Invitae Variant Classification Sherloc (09022015). Collection method: clinical testing. Allele origin: germline.

Quest Diagnostics Nichols Institute San Juan Capistrano
Classification: Benign. Last evaluated: 2025-08-08. Review status: criteria provided, single submitter. Criteria: Quest Diagnostics criteria. Collection method: clinical testing. Allele origin: unknown.

Center for Genomic Medicine, Rigshospitalet, Copenhagen University Hospital
Classification: Benign. Last evaluated: 2025-03-04. Review status: criteria provided, single submitter. Criteria: ACMG Guidelines, 2015. Collection method: clinical testing. Allele origin: germline.

ARUP Laboratories, Molecular Genetics and Genomics, ARUP Laboratories
Classification: Benign. Last evaluated: 2025-02-28. Review status: criteria provided, single submitter. Criteria: ARUP Molecular Germline Variant Investigation Process 2024. Collection method: clinical testing. Allele origin: germline.

KCCC/NGS Laboratory, Kuwait Cancer Control Center
Classification: Benign for Pleuropulmonary blastoma. Last evaluated: 2023-07-07. Review status: criteria provided, single submitter. Criteria: ACMG Guidelines, 2015. Collection method: clinical testing. Allele origin: germline. Affected: yes.

Sema4
Classification: Benign for Hereditary cancer-predisposing syndrome. Last evaluated: 2021-05-30. Review status: criteria provided, single submitter. Criteria: Sema4 Curation Guidelines. Collection method: curation. Allele origin: germline.

GeneDx
Classification: Benign. Last evaluated: 2018-01-16. Review status: criteria provided, single submitter. Criteria: GeneDx Variant Classification (06012015). Collection method: clinical testing. Allele origin: germline. Affected: yes.
Comment: This variant is considered likely benign or benign based on one or more of the following criteria: it is a conservative change, it occurs at a poorly conserved position in the protein, it is predicted to be benign by multiple in silico algorithms, and/or has population frequency not consistent with disease.

Illumina Laboratory Services, Illumina
Classification: Benign for Pleuropulmonary blastoma. Last evaluated: 2018-01-13. Review status: criteria provided, single submitter. Criteria: ICSL Variant Classification Criteria 13 December 2019. Collection method: clinical testing. Allele origin: germline.
Comment: This variant was observed in the ICSL laboratory as part of a predisposition screen in an ostensibly healthy population. It had not been previously curated by ICSL or reported in the Human Gene Mutation Database (HGMD: prior to June 1st, 2018), and was therefore a candidate for classification through an automated scoring system. Utilizing variant allele frequency, disease prevalence and penetrance estimates, and inheritance mode, an automated score was calculated to assess if this variant is too frequent to cause the disease. Based on the score and internal cut-off values, a variant classified as benign is not then subjected to further curation. The score for this variant resulted in a classification of benign for this disease.

Ambry Genetics
Classification: Likely benign for Hereditary cancer-predisposing syndrome. Last evaluated: 2017-02-07. Review status: criteria provided, single submitter. Criteria: Ambry Variant Classification Scheme 2023. Collection method: clinical testing. Allele origin: germline.

PreventionGenetics, part of Exact Sciences
Classification: Benign. Last evaluated: 2015-10-27. Review status: criteria provided, single submitter. Criteria: ACMG Guidelines, 2015. Collection method: clinical testing. Allele origin: germline.

Breakthrough Genomics
Classification: Likely benign. Review status: criteria provided, single submitter. Criteria: ACMG Guidelines, 2015. Collection method: not provided. Allele origin: germline. Inheritance: Autosomal dominant inheritance. Affected: yes.

Literature cited by the submitters: PubMed 31883967 (cited by Quest Diagnostics Nichols Institute San Juan Capistrano).